The following is an entry in ClinVar:

ClinVar aggregate classification (germline): Likely benign (1 of 4 stars; one submission).

Submission:

CeGaT Center for Human Genetics Tuebingen
Classification: Likely benign. Last evaluated: 2025-08-01. Review status: criteria provided, single submitter. Criteria: CeGaT Center For Human Genetics Tuebingen Variant Classification Criteria Version 2. Collection method: clinical testing. Allele origin: germline. Affected: yes. Observed: 1 variant allele.
Comment: PCDHGB6: PM2:Supporting, BP4, BP7

NM_018926.3(PCDHGB6):c.2346T>C (p.Ser782=)

Genes: PCDHG@ (protocadherin gamma cluster; plus strand), PCDHGA1 (protocadherin gamma subfamily A, 1; plus strand), PCDHGA2 (protocadherin gamma subfamily A, 2; plus strand), PCDHGA3 (protocadherin gamma subfamily A, 3; plus strand), PCDHGA4 (protocadherin gamma subfamily A, 4; plus strand) and 11 more. Cytogenetic location: 5q31.3.
Variant type: single nucleotide variant.
Coding change: c.2346T>C on transcript NM_018926.3 (MANE Select); coding-DNA position 2346, T replaced by C.
Protein change: p.Ser782=; no amino-acid change (serine 782 retained).
Molecular consequence: synonymous variant. On other transcripts: intron variant (14).
Genome position (GRCh38, 1-based): chr5:141,410,548, T>C. VCF-style: chr5-141410548-T-C. GRCh37 (hg19) VCF-style: chr5-140790115-T-C.
Other names: c.2346T>C, p.Ser782= (NM_001386906.1, NM_032100.1); c.2421+77443T>C (NM_018912.3); c.2424+69153T>C (NM_018915.4); c.2424+64091T>C (NM_018916.4); c.2409+57879T>C (NM_018922.3); c.2514+52927T>C (NM_018917.4); c.2421+47992T>C (NM_018923.3); c.2421+43797T>C (NM_018918.3); and 7 more.
Identifiers: ClinVar variation 4281338 (VCV004281338.7).